The following is an entry in ClinVar:

ClinVar aggregate classification (germline): Uncertain significance. Review status: criteria provided, multiple submitters, no conflicts (2 of 4 stars). 2 submissions from 2 submitters: Uncertain significance (2). Last evaluated 2025-03-18.

Conditions:
Inborn genetic diseases. Identifiers: MedGen C0950123, MeSH D030342.
Netherton syndrome (NETH). Also called: NETHERTON DISEASE; ERYTHRODERMA, ICHTHYOSIFORM, WITH HYPOTRICHOSIS AND HYPER-IgE; COMEL-NETHERTON SYNDROME. Identifiers: Orphanet 634, MedGen C5574950, MONDO:0009735, OMIM 256500.

Allele frequency attached by ClinVar (database versions not stated): ExAC 0.00002; gnomAD exomes 0.00002; TOPMed 0.00002; gnomAD 0.00004; ESP Exome Variant Server 0.00008.
gnomAD v4.1: 31 of 1,613,784 alleles (0.0019%); highest among the groups gnomAD compares: African/African-American, 0.0067%; no homozygotes.

Submissions (2):

Ambry Genetics
Classification: Uncertain significance for Inborn genetic diseases. Last evaluated: 2025-03-18. Review status: criteria provided, single submitter. Criteria: Ambry Variant Classification Scheme 2023. Collection method: clinical testing. Allele origin: germline.

Labcorp Genetics (formerly Invitae), Labcorp
Classification: Uncertain significance for Ichthyosis linearis circumflexa. Last evaluated: 2022-03-04. Review status: criteria provided, single submitter. Criteria: Invitae Variant Classification Sherloc (09022015). Collection method: clinical testing. Allele origin: germline.
Comment: This sequence change replaces alanine, which is neutral and non-polar, with threonine, which is neutral and polar, at codon 1056 of the SPINK5 protein (p.Ala1056Thr). This variant is present in population databases (rs199498786, gnomAD 0.01%). This variant has not been reported in the literature in individuals affected with SPINK5-related conditions. ClinVar contains an entry for this variant (Variation ID: 1011869). Algorithms developed to predict the effect of missense changes on protein structure and function output the following: SIFT: "Tolerated"; PolyPhen-2: "Benign"; Align-GVGD: "Class C0". The threonine amino acid residue is found in multiple mammalian species, which suggests that this missense change does not adversely affect protein function. In summary, the available evidence is currently insufficient to determine the role of this variant in disease. Therefore, it has been classified as a Variant of Uncertain Significance.

NM_006846.4(SPINK5):c.3166G>A (p.Ala1056Thr)

Gene: SPINK5 (serine peptidase inhibitor Kazal type 5; plus strand). Cytogenetic location: 5q32.
Variant type: single nucleotide variant.
Coding change: c.3166G>A on transcript NM_006846.4 (MANE Select); coding-DNA position 3166, G replaced by A.
Protein change: p.Ala1056Thr; replaces alanine 1056 with threonine.
Molecular consequence: missense variant.
Genome position (GRCh38, 1-based): chr5:148,133,867, G>A. VCF-style: chr5-148133867-G-A. GRCh37 (hg19) VCF-style: chr5-147513430-G-A.
Other names: c.3256G>A, p.Ala1086Thr (NM_001127698.2); c.3166G>A (NM_006846.3); short protein forms A1056T, A1086T.
Identifiers: ClinVar variation 1011869 (VCV001011869.8), dbSNP rs199498786, ClinGen allele CA3496265.